The following is an entry in ClinVar:

ClinVar aggregate classification (germline): Uncertain significance (1 of 4 stars; one submission).

gnomAD v4.1: 7 of 1,209,375 alleles (0.00058%); highest among the groups gnomAD compares: East Asian, 0.018%; no homozygotes.

Submission:

Labcorp Genetics (formerly Invitae), Labcorp
Classification: Uncertain significance. Last evaluated: 2025-09-15. Review status: criteria provided, single submitter. Criteria: Invitae Variant Classification Sherloc (09022015). Collection method: clinical testing. Allele origin: germline.
Comment: This sequence change replaces cysteine, which is neutral and slightly polar, with phenylalanine, which is neutral and non-polar, at codon 840 of the TBC1D8B protein (p.Cys840Phe). This variant is present in population databases (rs757640492, gnomAD 0.04%). This variant has not been reported in the literature in individuals affected with TBC1D8B-related conditions. An algorithm developed to predict the effect of missense changes on protein structure and function (PolyPhen-2) suggests that this variant is likely to be tolerated. In summary, the available evidence is currently insufficient to determine the role of this variant in disease. Therefore, it has been classified as a Variant of Uncertain Significance.

NM_017752.3(TBC1D8B):c.2519G>T (p.Cys840Phe)

Gene: TBC1D8B (TBC1 domain family member 8B; plus strand). Cytogenetic location: Xq22.3.
Variant type: single nucleotide variant.
Coding change: c.2519G>T on transcript NM_017752.3 (MANE Select); coding-DNA position 2519, G replaced by T.
Protein change: p.Cys840Phe; replaces cysteine 840 with phenylalanine.
Molecular consequence: missense variant.
Genome position (GRCh38, 1-based): chrX:106,865,890, G>T. VCF-style: chrX-106865890-G-T. GRCh37 (hg19) VCF-style: chrX-106109120-G-T.
Other names: c.2369G>T, p.Cys790Phe (NM_001441214.1); c.2225G>T, p.Cys742Phe (NM_001441215.1); short protein forms C742F, C790F, C840F.
Identifiers: ClinVar variation 4762586 (VCV004762586.1).